The following is an entry in ClinVar:

NM_005228.5(EGFR):c.3509C>G (p.Pro1170Arg)

Gene: EGFR (epidermal growth factor receptor; plus strand). Cytogenetic location: 7p11.2.
Variant type: single nucleotide variant.
Coding change: c.3509C>G on transcript NM_005228.5 (MANE Select); coding-DNA position 3509, C replaced by G.
Protein change: p.Pro1170Arg; replaces proline 1170 with arginine.
Molecular consequence: missense variant.
Genome position (GRCh38, 1-based): chr7:55,205,493, C>G. VCF-style: chr7-55205493-C-G. GRCh37 (hg19) VCF-style: chr7-55273186-C-G.
Other names: c.3509C>G (NM_005228.3); c.3374C>G, p.Pro1125Arg (NM_001346899.2); c.3350C>G, p.Pro1117Arg (NM_001346900.2); c.2708C>G, p.Pro903Arg (NM_001346941.2); short protein forms P1125R, P1170R, P903R, P1117R.
Identifiers: ClinVar variation 1354339 (VCV001354339.9), dbSNP rs2128975490, ClinGen allele CA367584780.

ClinVar aggregate classification (germline): Uncertain significance. Review status: criteria provided, multiple submitters, no conflicts (2 of 4 stars). 2 submissions from 2 submitters: Uncertain significance (2). Last evaluated 2025-12-15.

Conditions:
EGFR-related lung cancer (EGFR). Identifiers: MedGen CN130014.
Hereditary cancer-predisposing syndrome. Also called: Hereditary neoplastic syndrome; Tumor predisposition; Neoplastic Syndromes, Hereditary; Hereditary Cancer Syndrome. Identifiers: Orphanet 140162, MedGen C0027672, MeSH D009386, MONDO:0015356.

Allele frequency attached by ClinVar (database versions not stated): gnomAD exomes below 0.00001.
gnomAD v4.1: 5 of 1,614,222 alleles (0.00031%); highest among the groups gnomAD compares: Non-Finnish European, 0.00042%; no homozygotes.

Submissions (2):

Ambry Genetics
Classification: Uncertain significance for Hereditary cancer-predisposing syndrome. Last evaluated: 2025-12-15. Review status: criteria provided, single submitter. Criteria: Ambry Variant Classification Scheme 2023. Collection method: clinical testing. Allele origin: germline.
Comment: The p.P1170R variant (also known as c.3509C>G), located in coding exon 28 of the EGFR gene, results from a C to G substitution at nucleotide position 3509. The proline at codon 1170 is replaced by arginine, an amino acid with dissimilar properties. This amino acid position is conserved. In addition, the in silico prediction for this alteration is inconclusive. Based on the available evidence, the clinical significance of this variant remains unclear.

Labcorp Genetics (formerly Invitae), Labcorp
Classification: Uncertain significance for EGFR-related lung cancer. Last evaluated: 2024-06-24. Review status: criteria provided, single submitter. Criteria: Invitae Variant Classification Sherloc (09022015). Collection method: clinical testing. Allele origin: germline.
Comment: This sequence change replaces proline, which is neutral and non-polar, with arginine, which is basic and polar, at codon 1170 of the EGFR protein (p.Pro1170Arg). This variant is not present in population databases (gnomAD no frequency). This variant has not been reported in the literature in individuals affected with EGFR-related conditions. ClinVar contains an entry for this variant (Variation ID: 1354339). An algorithm developed to predict the effect of missense changes on protein structure and function (PolyPhen-2) suggests that this variant is likely to be disruptive. In summary, the available evidence is currently insufficient to determine the role of this variant in disease. Therefore, it has been classified as a Variant of Uncertain Significance.